The following is an entry in ClinVar:

NM_001160372.4(TRAPPC9):c.3272T>G (p.Leu1091Arg)

Gene: TRAPPC9 (trafficking protein particle complex subunit 9; minus strand). Cytogenetic location: 8q24.3.
Variant type: single nucleotide variant.
Coding change: c.3272T>G on transcript NM_001160372.4 (MANE Select); coding-DNA position 3272, T replaced by G.
Protein change: p.Leu1091Arg; replaces leucine 1091 with arginine.
Molecular consequence: missense variant. On other transcripts: non-coding transcript variant (1).
Genome position (GRCh38, 1-based): chr8:139,731,986, A>C on the plus strand (T>G on the coding strand, the complement: TRAPPC9 is on the minus strand). VCF-style: chr8-139731986-A-C. GRCh37 (hg19) VCF-style: chr8-140744229-A-C.
Other names: c.3245T>G, p.Leu1082Arg (NM_001321646.2); c.3293T>G, p.Leu1098Arg (NM_001374682.1); c.3161T>G, p.Leu1054Arg (NM_001374683.1); c.3128T>G, p.Leu1043Arg (NM_001374684.1); c.3272T>G, p.Leu1091Arg (NM_031466.8); short protein forms L1043R, L1054R, L1082R, L1091R, L1098R.
Identifiers: ClinVar variation 1059126 (VCV001059126.9), dbSNP rs2129935219, ClinGen allele CA372732674.

ClinVar aggregate classification (germline): Uncertain significance (1 of 4 stars; one submission).

Allele frequency attached by ClinVar (database versions not stated): gnomAD exomes below 0.00001.
gnomAD v4.1: 2 of 1,582,228 alleles (0.00013%); highest among the groups gnomAD compares: Non-Finnish European, 0.00017%; no homozygotes.

Submission:

Labcorp Genetics (formerly Invitae), Labcorp
Classification: Uncertain significance. Last evaluated: 2023-04-24. Review status: criteria provided, single submitter. Criteria: Invitae Variant Classification Sherloc (09022015). Collection method: clinical testing. Allele origin: germline.
Comment: In summary, the available evidence is currently insufficient to determine the role of this variant in disease. Therefore, it has been classified as a Variant of Uncertain Significance. This sequence change replaces leucine, which is neutral and non-polar, with arginine, which is basic and polar, at codon 1189 of the TRAPPC9 protein (p.Leu1189Arg). This variant is not present in population databases (gnomAD no frequency). This variant has not been reported in the literature in individuals affected with TRAPPC9-related conditions. ClinVar contains an entry for this variant (Variation ID: 1059126). An algorithm developed to predict the effect of missense changes on protein structure and function (PolyPhen-2) suggests that this variant is likely to be disruptive.